The following is an entry in ClinVar:

ClinVar aggregate classification (germline): Pathogenic. Review status: criteria provided, multiple submitters, no conflicts (2 of 4 stars). 2 submissions from 2 submitters: Pathogenic (2). Last evaluated 2025-02-24.

Conditions:
Late-infantile neuronal ceroid lipofuscinosis. Also called: Jansky-Bielschowsky disease. Identifiers: MedGen C0022340, MONDO:0015674.

Allele frequency attached by ClinVar (database versions not stated): gnomAD 0.00001.
gnomAD v4.1: 1 of 1,606,360 alleles (0.000062%); highest among the groups gnomAD compares: Middle Eastern, 0.017%; no homozygotes.

Submissions (2):

Natera, Inc.
Classification: Pathogenic for Late-infantile neuronal ceroid lipofuscinosis. Last evaluated: 2025-02-24. Review status: criteria provided, single submitter. Criteria: Natera Variant Classification Schema (03/2026). Collection method: clinical testing. Allele origin: germline.
Comment: The c.754+1G>C variant in MFSD8 is a canonical splice donor site variant predicted to affect pre-mRNA splicing, which may result in an abnormal transcript and altered protein product. This variant is expected to result in nonsense mediated decay, truncation, or a dysfunctional protein product. This variant is rare in the general population with a frequency below the threshold expected for the associated phenotype(s). Another variant at this same site results in an alteration predicted to cause a similar molecular effect has been observed in individual(s) with the associated phenotype. Given the available evidence, this variant is classified as Pathogenic.

CeGaT Center for Human Genetics Tuebingen
Classification: Pathogenic. Last evaluated: 2019-10-01. Review status: criteria provided, single submitter. Criteria: CeGaT Center For Human Genetics Tuebingen Variant Classification Criteria Version 2. Collection method: clinical testing. Allele origin: germline. Affected: yes. Observed: 1 variant allele.

NM_001371596.2(MFSD8):c.754+1G>C

Gene: MFSD8 (major facilitator superfamily domain containing 8; minus strand). Cytogenetic location: 4q28.2.
Variant type: single nucleotide variant.
Coding change: c.754+1G>C on transcript NM_001371596.2 (MANE Select); the canonical splice donor site of the intron after coding-DNA position 754, G replaced by C.
Molecular consequence: splice donor variant. On other transcripts: intron variant (3).
Genome position (GRCh38, 1-based): chr4:127,938,782, C>G on the plus strand (G>C on the coding strand, the complement: MFSD8 is on the minus strand). VCF-style: chr4-127938782-C-G. GRCh37 (hg19) VCF-style: chr4-128859937-C-G.
Other names: c.754+1G>C (NM_152778.2, NM_152778.4, NM_001371591.2); c.472+1G>C (NM_001371595.1); c.304+4970G>C (NM_001410765.1); c.619+1G>C (NM_001371590.2); c.439+4970G>C (NM_001363521.3); c.640+1G>C (NM_001410766.1, NM_001371593.2); c.553+3263G>C (NM_001363520.3); c.607+1G>C (NM_001371594.2); and 1 more.
Identifiers: ClinVar variation 871428 (VCV000871428.45), dbSNP rs868732642, ClinGen allele CA358175159.